The following is an entry in ClinVar:

ClinVar aggregate classification (germline): Uncertain significance. Review status: criteria provided, multiple submitters, no conflicts (2 of 4 stars). 3 submissions from 3 submitters: Uncertain significance (3). Last evaluated 2025-12-05.

Conditions:
Inborn genetic diseases. Identifiers: MedGen C0950123, MeSH D030342.
Pseudo-Hurler polydystrophy. Also called: ML III; ML III ALPHA/BETA; MUCOLIPIDOSIS IIIA; Type III Mucolipidosis; ML IIIA; Mucolipidosis III Alpha/Beta. Identifiers: Orphanet 423461, Orphanet 577, MedGen C0033788, MONDO:0018931, OMIM 252600.
Mucolipidosis type II. Also called: ML II ALPHA/BETA; Mucolipidosis 2; ML 2; Inclusion cell disease; Leroy Disease; N-acetylglucosamine 1phosphotransferase deficiency. Identifiers: Orphanet 576, MedGen C2673377, MONDO:0009650, OMIM 252500.

Allele frequency attached by ClinVar (database versions not stated): ExAC 0.00002; TOPMed 0.00002.
gnomAD v4.1: 69 of 1,613,052 alleles (0.0043%); highest among the groups gnomAD compares: Non-Finnish European, 0.0055%; no homozygotes.

Submissions (3):

Mayo Clinic Laboratories, Mayo Clinic
Classification: Uncertain significance. Last evaluated: 2025-12-05. Review status: criteria provided, single submitter. Criteria: ACMG Guidelines, 2015. Collection method: clinical testing. Allele origin: germline. Observed: 1 variant allele.

Ambry Genetics
Classification: Uncertain significance for Inborn genetic diseases. Last evaluated: 2025-08-09. Review status: criteria provided, single submitter. Criteria: Ambry Variant Classification Scheme 2023. Collection method: clinical testing. Allele origin: germline.

Labcorp Genetics (formerly Invitae), Labcorp
Classification: Uncertain significance for Pseudo-Hurler polydystrophy; Mucolipidosis type II. Last evaluated: 2022-10-05. Review status: criteria provided, single submitter. Criteria: Invitae Variant Classification Sherloc (09022015). Collection method: clinical testing. Allele origin: germline.
Comment: This sequence change replaces glutamic acid, which is acidic and polar, with lysine, which is basic and polar, at codon 1039 of the GNPTAB protein (p.Glu1039Lys). This variant is present in population databases (rs201356176, gnomAD 0.01%). This variant has not been reported in the literature in individuals affected with GNPTAB-related conditions. ClinVar contains an entry for this variant (Variation ID: 1392135). Advanced modeling of protein sequence and biophysical properties (such as structural, functional, and spatial information, amino acid conservation, physicochemical variation, residue mobility, and thermodynamic stability) performed at Invitae indicates that this missense variant is expected to disrupt GNPTAB protein function. In summary, the available evidence is currently insufficient to determine the role of this variant in disease. Therefore, it has been classified as a Variant of Uncertain Significance.

NM_024312.5(GNPTAB):c.3115G>A (p.Glu1039Lys)

Gene: GNPTAB (N-acetylglucosamine-1-phosphate transferase subunits alpha and beta; minus strand). Cytogenetic location: 12q23.2.
Variant type: single nucleotide variant.
Coding change: c.3115G>A on transcript NM_024312.5 (MANE Select); coding-DNA position 3115, G replaced by A.
Protein change: p.Glu1039Lys; replaces glutamic acid 1039 with lysine.
Molecular consequence: missense variant.
Genome position (GRCh38, 1-based): chr12:101,761,147, C>T on the plus strand (G>A on the coding strand, the complement: GNPTAB is on the minus strand). VCF-style: chr12-101761147-C-T. GRCh37 (hg19) VCF-style: chr12-102154925-C-T.
Other names: p.Glu1039Lys; c.3115G>A (NM_024312.4); short protein forms E1039K.
Identifiers: ClinVar variation 1392135 (VCV001392135.6), dbSNP rs201356176, ClinGen allele CA6746265.